The following is an entry in ClinVar:

ClinVar aggregate classification (germline): Pathogenic (3 of 4 stars; one submission).

Conditions:
Glanzmann thrombasthenia. Also called: PLATELET GLYCOPROTEIN IIb-IIIa DEFICIENCY; Glanzmann's thrombasthenia; BLEEDING DISORDER, PLATELET-TYPE, 2; THROMBASTHENIA OF GLANZMANN AND NAEGELI; Thrombasthenia. Identifiers: Orphanet 849, MedGen C0040015, MONDO:0100326.

Submission:

ClinGen Platelet Disorders Variant Curation Expert Panel, ClinGen
Classification: Pathogenic for Glanzmann thrombasthenia. Last evaluated: 2022-05-17. Review status: reviewed by expert panel. Criteria: ClinGen Platelet ACMG Specifications v2-1. Collection method: curation. Allele origin: germline. Inheritance: Autosomal recessive inheritance.
Comment: The NM_000419.5:c.2338del (p.Glu780SerfsTer46) variant in ITGA2B exon 23 is a frameshift variant predicted to cause a premature stop codon in biologically-relevant-exon 25/30 and is predicted to lead to nonsense mediated decay in a gene in which loss-of-function is an established disease mechanism (PVS1). This variant has been detected in at least one proband with Glanzmann thrombasthenia. However, it is unclear if the reported proband (GT38, PMID: 19691478) was homozygous for this variant or if a second ITGA2B variant was identified. At least one patient (Patient GT38 in PMID: 19691478) with this variant displayed mucocutaneous bleeding and impaired aggregation with all agonists except ristocetin, which is highly specific for Glanzmann thrombasthenia (PP4_Moderate). This variant is absent from gnomAD v2.1.1 (PM2_Supporting). In summary, this variant meets the criteria to be classified as pathogenic for autosomal recessive Glanzmann Thrombasthenia based on the ACMG/AMP criteria applied, as specified by the ClinGen PD VCEP: PVS1, PM2_Supporting, PP4_Moderate. (VCEP specifications version 2; date of approval 05/17/2022)

NM_000419.5(ITGA2B):c.2338del (p.Glu780fs)

Gene: ITGA2B (integrin subunit alpha 2b; minus strand). Cytogenetic location: 17q21.31.
Variant type: Deletion.
Coding change: c.2338del on transcript NM_000419.5 (MANE Select); coding-DNA position 2338, one base deleted (G; older notation c.2338delG).
Protein change: p.Glu780fs; shifts the reading frame from glutamic acid 780.
Molecular consequence: frameshift variant.
Genome position (GRCh38, 1-based): chr17:44,376,318, C deleted on the plus strand (G on the coding strand, the reverse complement: ITGA2B is on the minus strand); the first of 2 consecutive C bases (chr17:44,376,318-44,376,319); deleting either gives the same sequence. VCF-style (leftmost placement, unchanged base first): chr17-44376317-TC-T. GRCh37 (hg19) VCF-style: chr17-42453685-TC-T.
Other names: NM_000419.5:c.2338del; short protein forms E780fs.
Identifiers: ClinVar variation 1691468 (VCV001691468.2), dbSNP rs2143440696, ClinGen allele CA915940686.